The following is an entry in ClinVar:

NM_001166108.2(PALLD):c.1965-12550C>A

Gene: PALLD (palladin, cytoskeletal associated protein; plus strand). Cytogenetic location: 4q32.3.
Variant type: single nucleotide variant.
Coding change: c.1965-12550C>A on transcript NM_001166108.2 (MANE Select); 12550 bases into the intron before coding-DNA position 1965, C replaced by A.
Molecular consequence: intron variant. On other transcripts: missense variant (1).
Genome position (GRCh38, 1-based): chr4:168,878,372, C>A. VCF-style: chr4-168878372-C-A. GRCh37 (hg19) VCF-style: chr4-169799523-C-A.
Other names: c.481C>A, p.Leu161Met (NM_001166110.2); c.1965-12550C>A (NM_016081.4); c.819-12550C>A (NM_001166109.2); c.-157-12550C>A (NM_001367570.1, NM_001367568.1, NM_001367567.1 and 1 more transcripts); short protein forms L161M.
Identifiers: ClinVar variation 2851130 (VCV002851130.3), dbSNP rs2533445619, ClinGen allele CA358796759.

ClinVar aggregate classification (germline): Uncertain significance (1 of 4 stars; one submission).

Conditions:
Pancreatic adenocarcinoma. Identifiers: MedGen C0281361, MONDO:0006047, HP:0006725.

Submission:

Labcorp Genetics (formerly Invitae), Labcorp
Classification: Uncertain significance for Pancreatic adenocarcinoma. Last evaluated: 2023-03-31. Review status: criteria provided, single submitter. Criteria: Invitae Variant Classification Sherloc (09022015). Collection method: clinical testing. Allele origin: germline.
Comment: In summary, the available evidence is currently insufficient to determine the role of this variant in disease. Therefore, it has been classified as a Variant of Uncertain Significance. An algorithm developed to predict the effect of missense changes on protein structure and function (PolyPhen-2) suggests that this variant is likely to be tolerated. This variant has not been reported in the literature in individuals affected with PALLD-related conditions. This variant is not present in population databases (gnomAD no frequency). This sequence change replaces leucine, which is neutral and non-polar, with methionine, which is neutral and non-polar, at codon 161 of the PALLD protein (p.Leu161Met).